The following is an entry in ClinVar:

ClinVar aggregate classification (germline): Likely benign. Review status: criteria provided, multiple submitters, no conflicts (2 of 4 stars). 2 submissions from 2 submitters: Likely benign (2). Last evaluated 2025-06-05.

Conditions:
Tuberous sclerosis 2 (TSC2). Identifiers: Orphanet 805, MedGen C1860707, MONDO:0013199, OMIM 613254.

Submissions (2):

Myriad Genetics, Inc.
Classification: Likely benign for Tuberous sclerosis 2. Last evaluated: 2025-06-05. Review status: criteria provided, single submitter. Criteria: Myriad Autosomal Dominant, Autosomal Recessive and X-Linked Classification Criteria (2023). Collection method: clinical testing. Allele origin: unknown.
Comment: This variant is considered likely benign. This variant is intronic and is not expected to impact mRNA splicing.

Labcorp Genetics (formerly Invitae), Labcorp
Classification: Likely benign for Tuberous sclerosis 2. Last evaluated: 2024-12-04. Review status: criteria provided, single submitter. Criteria: Invitae Variant Classification Sherloc (09022015). Collection method: clinical testing. Allele origin: germline.

NM_000548.5(TSC2):c.4850-20C>T

Gene: TSC2 (TSC complex subunit 2; plus strand). Cytogenetic location: 16p13.3.
Variant type: single nucleotide variant.
Coding change: c.4850-20C>T on transcript NM_000548.5 (MANE Select); 20 bases into the intron before coding-DNA position 4850, C replaced by T.
Molecular consequence: intron variant.
Genome position (GRCh38, 1-based): chr16:2,086,712, C>T. VCF-style: chr16-2086712-C-T. GRCh37 (hg19) VCF-style: chr16-2136713-C-T.
Other names: c.3308-20C>T (NM_001406693.1, NM_001406692.1, NM_001406694.1); c.4742-20C>T (NM_001406667.1); c.4739-20C>T (NM_001406668.1); c.4250-20C>T (NM_001406680.1); c.4181-20C>T (NM_001406683.1, NM_001406682.1); c.4049-20C>T (NM_001406687.1, NM_001406688.1); c.3437-20C>T (NM_001406689.1); c.3377-20C>T (NM_001406690.1); and 26 more.
Identifiers: ClinVar variation 3704286 (VCV003704286.3).